The following is an entry in ClinVar:

NM_004360.5(CDH1):c.871G>A (p.Asp291Asn)

Gene: CDH1 (cadherin 1; plus strand). Cytogenetic location: 16q22.1.
Variant type: single nucleotide variant.
Coding change: c.871G>A on transcript NM_004360.5 (MANE Select); coding-DNA position 871, G replaced by A.
Protein change: p.Asp291Asn; replaces aspartic acid 291 with asparagine.
Molecular consequence: missense variant. On other transcripts: 5 prime UTR variant (2).
Genome position (GRCh38, 1-based): chr16:68,811,722, G>A. VCF-style: chr16-68811722-G-A. GRCh37 (hg19) VCF-style: chr16-68845625-G-A.
Other names: c.871G>A, p.Asp291Asn (NM_001317184.2); c.-745G>A (NM_001317185.2); c.-949G>A (NM_001317186.2); c.871G>A (LRG_301t1); short protein forms D291N.
Identifiers: ClinVar variation 233798 (VCV000233798.22), dbSNP rs876660645, ClinGen allele CA10580095.

ClinVar aggregate classification (germline): Conflicting classifications of pathogenicity. Review status: criteria provided, conflicting classifications (1 of 4 stars). 7 submissions from 7 submitters: Uncertain significance (6); Likely benign (1). Last evaluated 2025-10-28.

Conditions:
Familial cancer of breast. Also called: hereditary breast carcinoma; BREAST CANCER, FAMILIAL; Hereditary breast cancer. Identifiers: Orphanet 227535, MedGen C0346153, MONDO:0016419, OMIM 114480. Disease mechanism: loss of function.
Ovarian cancer. Also called: OVARIAN CANCER, SOMATIC. Identifiers: Orphanet 213500, MedGen C1140680, MONDO:0008170, OMIM 167000.
Hereditary cancer-predisposing syndrome. Also called: Tumor predisposition; Hereditary Cancer Syndrome; Hereditary neoplastic syndrome; Neoplastic Syndromes, Hereditary. Identifiers: Orphanet 140162, MedGen C0027672, MeSH D009386, MONDO:0015356.
Hereditary diffuse gastric adenocarcinoma (HDGC). Also called: DIFFUSE GASTRIC AND LOBULAR BREAST CANCER SYNDROME. Identifiers: Orphanet 26106, MedGen C1708349, MONDO:0007648, OMIM 137215.

Allele frequency attached by ClinVar (database versions not stated): gnomAD exomes below 0.00001.
gnomAD v4.1: 4 of 1,614,020 alleles (0.00025%); highest among the groups gnomAD compares: African/African-American, 0.0027%; no homozygotes.

Submissions (7):

Labcorp Genetics (formerly Invitae), Labcorp
Classification: Uncertain significance for Hereditary diffuse gastric adenocarcinoma. Last evaluated: 2025-10-28. Review status: criteria provided, single submitter. Criteria: Invitae Variant Classification Sherloc (09022015). Collection method: clinical testing. Allele origin: germline.
Comment: This sequence change replaces aspartic acid, which is acidic and polar, with asparagine, which is neutral and polar, at codon 291 of the CDH1 protein (p.Asp291Asn). This variant is present in population databases (no rsID available, gnomAD no frequency). This variant has not been reported in the literature in individuals affected with CDH1-related conditions. ClinVar contains an entry for this variant (Variation ID: 233798). An algorithm developed to predict the effect of missense changes on protein structure and function (PolyPhen-2) suggests that this variant is likely to be disruptive. In summary, the available evidence is currently insufficient to determine the role of this variant in disease. Therefore, it has been classified as a Variant of Uncertain Significance.

Quest Diagnostics Nichols Institute San Juan Capistrano
Classification: Uncertain significance. Last evaluated: 2024-11-01. Review status: criteria provided, single submitter. Criteria: Quest Diagnostics criteria. Collection method: clinical testing. Allele origin: unknown.
Comment: The CDH1 c.871G>A (p.Asp291Asn) variant has been reported in the published literature in a reportedly healthy individual in a breast cancer association study (PMID: 33471991 (2021), see also LOVD). The frequency of this variant in the general population, 0.000004 (1/251458 chromosomes (Genome Aggregation Database)), is uninformative in the assessment of its pathogenicity. Analysis of this variant using bioinformatics tools for the prediction of the effect of amino acid changes on protein structure and function yielded predictions that this variant is damaging. Based on the available information, we are unable to determine the clinical significance of this variant.

Baylor Genetics
Classification: Uncertain significance for Familial cancer of breast. Last evaluated: 2024-02-27. Review status: criteria provided, single submitter. Criteria: ACMG Guidelines, 2015. Collection method: clinical testing. Allele origin: unknown.

Ambry Genetics
Classification: Likely benign for Hereditary cancer-predisposing syndrome. Last evaluated: 2022-11-02. Review status: criteria provided, single submitter. Criteria: Ambry Variant Classification Scheme 2023. Collection method: clinical testing. Allele origin: germline.

Color Diagnostics, LLC DBA Color Health
Classification: Uncertain significance for Hereditary cancer-predisposing syndrome. Last evaluated: 2022-08-29. Review status: criteria provided, single submitter. Criteria: ACMG Guidelines, 2015. Collection method: clinical testing. Allele origin: germline.
Comment: This missense variant replaces aspartic acid with asparagine at codon 291 of the CDH1 protein. To our knowledge, functional studies have not been reported for this variant. This variant has not been reported in individuals affected with hereditary cancer in the literature. This variant has been identified in 1/251458 chromosomes in the general population by the Genome Aggregation Database (gnomAD). The available evidence is insufficient to determine the role of this variant in disease conclusively. Therefore, this variant is classified as a Variant of Uncertain Significance.

Department of Pathology and Laboratory Medicine, Sinai Health System
Classification: Uncertain significance for Familial cancer of breast; Ovarian cancer. Last evaluated: 2022-03-29. Review status: criteria provided, single submitter. Criteria: ACMG Guidelines, 2015. Collection method: clinical testing. Allele origin: germline. Affected: yes.

GeneDx
Classification: Uncertain significance. Last evaluated: 2017-07-31. Review status: criteria provided, single submitter. Criteria: GeneDx Variant Classification (06012015). Collection method: clinical testing. Allele origin: germline. Affected: yes.
Comment: This variant is denoted CDH1 c.871G>A at the cDNA level, p.Asp291Asn (D291N) at the protein level, and results in the change of an Aspartic Acid to an Asparagine (GAT>AAT). This variant has not, to our knowledge, been published in the literature as a germline variant; however, it has been reported as a somatic variant in at least one colorectal tumor (The Cancer Genome Atlas Network 2012, Zhao 2015). CDH1 Asp291Asn was not observed in large population cohorts (NHLBI Exome Sequencing Project, The 1000 Genomes Consortium 2015, Lek 2016). Since Aspartic Acid and Asparagine differ in some properties, this is considered a semi-conservative amino acid substitution. CDH1 Asp291Asn occurs at a position where amino acids with properties similar to Aspartic Acid are tolerated across species and is located within the Cadherin 2 domain of the Extracellular domain (Brooks-Wilson 2004, Figueiredo 2013). In silico analyses predict that this variant is probably damaging to protein structure and function. Based on currently available evidence, it is unclear whether CDH1 Asp291Asn is a pathogenic or benign variant. We consider it to be a variant of uncertain significance.

Literature cited by the submitters: PubMed 33471991 (cited by Quest Diagnostics Nichols Institute San Juan Capistrano).